The following is an entry in ClinVar:

ClinVar aggregate classification (germline): Uncertain significance (1 of 4 stars; one submission).

Conditions:
Autosomal dominant nocturnal frontal lobe epilepsy 5. Also called: CILIARY DYSKINESIA, PRIMARY, 28, WITH SITUS INVERSUS; Epilepsy, nocturnal frontal lobe, 5; CILIARY DYSKINESIA, PRIMARY, 28, WITHOUT SITUS INVERSUS; KCNT1-Related Epilepsy. Identifiers: Orphanet 98784, MedGen C3554306, MONDO:0014002, OMIM 615005.
Developmental and epileptic encephalopathy, 14 (DEE14). Also called: Early infantile epileptic encephalopathy 14. Identifiers: Orphanet 293181, MedGen C3554195, MONDO:0013989, OMIM 614959.

Submission:

Labcorp Genetics (formerly Invitae), Labcorp
Classification: Uncertain significance for Autosomal dominant nocturnal frontal lobe epilepsy 5; Developmental and epileptic encephalopathy, 14. Last evaluated: 2025-03-30. Review status: criteria provided, single submitter. Criteria: Invitae Variant Classification Sherloc (09022015). Collection method: clinical testing. Allele origin: germline.
Comment: This sequence change creates a premature translational stop signal (p.Ala1130Profs*8) in the KCNT1 gene. It is expected to result in an absent or disrupted protein product. However, the current clinical and genetic evidence is not sufficient to establish whether loss-of-function variants in KCNT1 cause disease. This variant is not present in population databases (gnomAD no frequency). This variant has not been reported in the literature in individuals affected with KCNT1-related conditions. In summary, the available evidence is currently insufficient to determine the role of this variant in disease. Therefore, it has been classified as a Variant of Uncertain Significance.

NM_020822.3(KCNT1):c.3387_3409del (p.Ala1130fs)

Gene: KCNT1 (potassium sodium-activated channel subfamily T member 1; plus strand). Cytogenetic location: 9q34.3.
Variant type: Deletion.
Coding change: c.3387_3409del on transcript NM_020822.3 (MANE Select); coding-DNA positions 3387 to 3409, 23 bases deleted (CGCGGAGTGGATCAGCCAGCAGC).
Protein change: p.Ala1130fs; shifts the reading frame from alanine 1130.
Molecular consequence: frameshift variant.
Genome position (GRCh38, 1-based): chr9:135,786,406-135,786,428, CGCGGAGTGGATCAGCCAGCAGC deleted; deleting any 23 consecutive bases within chr9:135,786,404-135,786,428 gives the same sequence; the c. name uses the placement nearest the transcript's 3' end. VCF-style (leftmost placement, unchanged base first): chr9-135786403-GGCCGCGGAGTGGATCAGCCAGCA-G. GRCh37 (hg19) VCF-style: chr9-138678249-GGCCGCGGAGTGGATCAGCCAGCA-G.
Other names: c.3252_3274del, p.Ala1085fs (NM_001272003.2); short protein forms A1085fs, A1130fs.
Identifiers: ClinVar variation 4791881 (VCV004791881.1).